The following is an entry in ClinVar:

ClinVar aggregate classification (germline): Conflicting classifications of pathogenicity. Review status: criteria provided, conflicting classifications (1 of 4 stars). 3 submissions from 3 submitters: Uncertain significance (2); Likely benign (1). Last evaluated 2019-07-03.

Conditions:
Dilated cardiomyopathy 1G (CMD1G). Identifiers: Orphanet 154, MedGen C1858763, MONDO:0011400, OMIM 604145.
Autosomal recessive limb-girdle muscular dystrophy type 2J (LGMDR10). Also called: Limb-girdle muscular dystrophy, type 2J; MUSCULAR DYSTROPHY, LIMB-GIRDLE, AUTOSOMAL RECESSIVE 10. Identifiers: Orphanet 140922, MedGen C1837342, MONDO:0012127, OMIM 608807.

Allele frequency attached by ClinVar (database versions not stated): gnomAD below 0.00001 and 0.00001; TOPMed 0.00001; gnomAD exomes 0.00003 and 0.00004; ExAC 0.00006; 1000 Genomes Project 30x 0.00016; 1000 Genomes Project 0.00020.
gnomAD v4.1: 49 of 1,613,764 alleles (0.003%); highest among the groups gnomAD compares: South Asian, 0.052%; 1 homozygote.

Submissions (3):

GeneDx
Classification: Likely benign. Last evaluated: 2019-07-03. Review status: criteria provided, single submitter. Criteria: GeneDx Variant Classification Process June 2021. Collection method: clinical testing. Allele origin: germline. Affected: yes.
Comment: This variant is associated with the following publications: (PMID: 23861362)

Labcorp Genetics (formerly Invitae), Labcorp
Classification: Uncertain significance for Dilated cardiomyopathy 1G; Autosomal recessive limb-girdle muscular dystrophy type 2J. Last evaluated: 2017-12-15. Review status: criteria provided, single submitter. Criteria: Invitae Variant Classification Sherloc (09022015). Collection method: clinical testing. Allele origin: germline.

Biesecker Lab/Clinical Genomics Section, National Institutes of Health
Classification: Uncertain significance. Last evaluated: 2013-06-24. Review status: criteria provided, single submitter. Criteria: Ng et al. (Circ Cardiovasc Genet. 2013). Collection method: research. Allele origin: unknown. Observed: 1 variant allele. Study: ClinSeq.
Comment: The study set was not selected for affection status in relation to any cancer. Pathogenicity categories were based on literature curation. See Pubmed ID:23861362 for details.

Medical sequencing

NM_001267550.2(TTN):c.13701T>G (p.Asp4567Glu)

Gene: TTN (titin; minus strand). Cytogenetic location: 2q31.2.
Variant type: single nucleotide variant.
Coding change: c.13701T>G on transcript NM_001267550.2 (MANE Select); coding-DNA position 13701, T replaced by G.
Protein change: p.Asp4567Glu; replaces aspartic acid 4567 with glutamic acid.
Molecular consequence: missense variant.
Genome position (GRCh38, 1-based): chr2:178,739,532, A>C on the plus strand (T>G on the coding strand, the complement: TTN is on the minus strand). VCF-style: chr2-178739532-A-C. GRCh37 (hg19) VCF-style: chr2-179604259-A-C.
Other names: c.10361-1172T>G (NM_133378.4); c.12750T>G, p.Asp4250Glu (NM_001256850.1); c.12612T>G, p.Asp4204Glu (NM_003319.4); c.12987T>G, p.Asp4329Glu (NM_133432.3); c.13188T>G, p.Asp4396Glu (NM_133437.4); short protein forms D4567E, D4250E, D4204E, D4396E, D4329E.
Identifiers: ClinVar variation 192035 (VCV000192035.6), dbSNP rs200422152, ClinGen allele CA238155.